The following is an entry in ClinVar:

NM_004453.4(ETFDH):c.1680C>A (p.Phe560Leu)

Gene: ETFDH (electron transfer flavoprotein dehydrogenase; plus strand). Cytogenetic location: 4q32.1.
Variant type: single nucleotide variant.
Coding change: c.1680C>A on transcript NM_004453.4 (MANE Select); coding-DNA position 1680, C replaced by A.
Protein change: p.Phe560Leu; replaces phenylalanine 560 with leucine.
Molecular consequence: missense variant.
Genome position (GRCh38, 1-based): chr4:158,706,840, C>A. VCF-style: chr4-158706840-C-A. GRCh37 (hg19) VCF-style: chr4-159627992-C-A.
Other names: c.1539C>A, p.Phe513Leu (NM_001281737.2); c.1497C>A, p.Phe499Leu (NM_001281738.1); c.1680C>A (NM_004453.2); short protein forms F513L, F560L, F499L.
Identifiers: ClinVar variation 1979773 (VCV001979773.2), dbSNP rs765245843, ClinGen allele CA3122686.

ClinVar aggregate classification (germline): Uncertain significance. Review status: criteria provided, multiple submitters, no conflicts (2 of 4 stars). 2 submissions from 2 submitters: Uncertain significance (2). Last evaluated 2024-07-31.

Conditions:
Multiple acyl-CoA dehydrogenase deficiency (MADD). Also called: ETHYLMALONIC-ADIPICACIDURIA; GA II; Glutaric aciduria, type 2; Glutaric acidemia type II; GA 2; Glutaric Acidemia type 2. Identifiers: Orphanet 26791, MedGen C0268596, MONDO:0009282, OMIM 231680.
Inborn genetic diseases. Identifiers: MedGen C0950123, MeSH D030342.

Allele frequency attached by ClinVar (database versions not stated): gnomAD exomes below 0.00001; ExAC 0.00001; gnomAD 0.00001; TOPMed 0.00001.
gnomAD v4.1: 3 of 1,589,828 alleles (0.00019%); highest among the groups gnomAD compares: African/African-American, 0.0013%; no homozygotes.

Submissions (2):

Ambry Genetics
Classification: Uncertain significance for Inborn genetic diseases. Last evaluated: 2024-07-31. Review status: criteria provided, single submitter. Criteria: Ambry Variant Classification Scheme 2023. Collection method: clinical testing. Allele origin: germline.

Labcorp Genetics (formerly Invitae), Labcorp
Classification: Uncertain significance for Multiple acyl-CoA dehydrogenase deficiency. Last evaluated: 2022-05-06. Review status: criteria provided, single submitter. Criteria: Invitae Variant Classification Sherloc (09022015). Collection method: clinical testing. Allele origin: germline.
Comment: This sequence change replaces phenylalanine, which is neutral and non-polar, with leucine, which is neutral and non-polar, at codon 560 of the ETFDH protein (p.Phe560Leu). This variant is present in population databases (rs765245843, gnomAD 0.01%). This variant has not been reported in the literature in individuals affected with ETFDH-related conditions. Advanced modeling of protein sequence and biophysical properties (such as structural, functional, and spatial information, amino acid conservation, physicochemical variation, residue mobility, and thermodynamic stability) performed at Invitae indicates that this missense variant is expected to disrupt ETFDH protein function. In summary, the available evidence is currently insufficient to determine the role of this variant in disease. Therefore, it has been classified as a Variant of Uncertain Significance.